The following is an entry in ClinVar:

NM_002769.5(PRSS1):c.340T>C (p.Ser114Pro)

Genes: PRSS1 (serine protease 1; plus strand), TRB (T cell receptor beta locus; plus strand). Cytogenetic location: 7q34.
Variant type: single nucleotide variant.
Coding change: c.340T>C on transcript NM_002769.5 (MANE Select); coding-DNA position 340, T replaced by C.
Protein change: p.Ser114Pro; replaces serine 114 with proline.
Molecular consequence: missense variant. On other transcripts: non-coding transcript variant (4).
Genome position (GRCh38, 1-based): chr7:142,751,913, T>C. VCF-style: chr7-142751913-T-C. GRCh37 (hg19) VCF-style: chr7-142459764-T-C.
Other names: short protein forms S114P.
Identifiers: ClinVar variation 3939044 (VCV003939044.1).
Genomic context (GRCh38, chr7:142,751,913, plus strand): 5'-ATCCGCCACCCCCAATACGACAGGAAGACTCTGAACAATGACATCATGTTAATCAAGCTC[T>C]CCTCACGTGCAGTAATCAACGCCCGCGTGTCCACCATCTCTCTGCCCACCGCCCCTCCAG-3'
Protein context (NP_002760.1, residues 104-124): LNNDIMLIKL[Ser114Pro]SRAVINARVS

ClinVar aggregate classification (germline): Uncertain significance (1 of 4 stars; one submission).

Conditions:
Hereditary pancreatitis (PCTT). Also called: Hereditary chronic pancreatitis; PRSS1-Related Hereditary Pancreatitis. Identifiers: Orphanet 676, MedGen C0238339, MONDO:0008185, OMIM 167800.

Submission:

Ambry Genetics
Classification: Uncertain significance for Hereditary pancreatitis. Last evaluated: 2025-04-03. Review status: criteria provided, single submitter. Criteria: Ambry Variant Classification Scheme 2023. Collection method: clinical testing. Allele origin: germline.
Comment: The p.S114P variant (also known as c.340T>C), located in coding exon 3 of the PRSS1 gene, results from a T to C substitution at nucleotide position 340. The serine at codon 114 is replaced by proline, an amino acid with similar properties. This amino acid position is conserved. In addition, the in silico prediction for this alteration is inconclusive. Based on the available evidence, the clinical significance of this variant remains unclear.